The following is an entry in ClinVar:

ClinVar aggregate classification (germline): Conflicting classifications of pathogenicity. Review status: criteria provided, conflicting classifications (1 of 4 stars). 2 submissions from 2 submitters: Uncertain significance (1); Likely benign (1). Last evaluated 2026-01-26.

Conditions:
Neuronal ceroid lipofuscinosis. Also called: Neuronal Ceroid Lipofuscinoses. Identifiers: Orphanet 216, Orphanet 79263, MedGen C0027877, MONDO:0016295. Disease mechanism: loss of function.

Allele frequency attached by ClinVar (database versions not stated): gnomAD exomes 0.00002 and 0.00004; ExAC 0.00007; TOPMed 0.00018; 1000 Genomes Project 0.00060; 1000 Genomes Project 30x 0.00062.
gnomAD v4.1: 75 of 1,613,426 alleles (0.0046%); highest among the groups gnomAD compares: African/African-American, 0.087%; no homozygotes.

Submissions (2):

Labcorp Genetics (formerly Invitae), Labcorp
Classification: Likely benign for Neuronal ceroid lipofuscinosis. Last evaluated: 2026-01-26. Review status: criteria provided, single submitter. Criteria: Invitae Variant Classification Sherloc (09022015). Collection method: clinical testing. Allele origin: germline.

GeneDx
Classification: Uncertain significance. Last evaluated: 2025-04-30. Review status: criteria provided, single submitter. Criteria: GeneDx Variant Classification Process June 2021. Collection method: clinical testing. Allele origin: germline. Affected: yes.
Comment: In silico analysis indicates that this variant does not alter splicing; Has not been previously published as pathogenic or benign to our knowledge

NM_001909.5(CTSD):c.697C>T (p.Leu233=)

Gene: CTSD (cathepsin D; minus strand). Cytogenetic location: 11p15.5.
Variant type: single nucleotide variant.
Coding change: c.697C>T on transcript NM_001909.5 (MANE Select); coding-DNA position 697, C replaced by T.
Protein change: p.Leu233=; no amino-acid change (leucine 233 retained).
Molecular consequence: synonymous variant.
Genome position (GRCh38, 1-based): chr11:1,757,331, G>A on the plus strand (C>T on the coding strand, the complement: CTSD is on the minus strand). VCF-style: chr11-1757331-G-A. GRCh37 (hg19) VCF-style: chr11-1778561-G-A.
Identifiers: ClinVar variation 700124 (VCV000700124.13), dbSNP rs142330967, ClinGen allele CA5814111.